The following is an entry in ClinVar:

NM_005592.4(MUSK):c.374G>T (p.Arg125Leu)

Gene: MUSK (muscle associated receptor tyrosine kinase; plus strand). Cytogenetic location: 9q31.3.
Variant type: single nucleotide variant.
Coding change: c.374G>T on transcript NM_005592.4 (MANE Select); coding-DNA position 374, G replaced by T.
Protein change: p.Arg125Leu; replaces arginine 125 with leucine.
Molecular consequence: missense variant.
Genome position (GRCh38, 1-based): chr9:110,695,418, G>T. VCF-style: chr9-110695418-G-T. GRCh37 (hg19) VCF-style: chr9-113457698-G-T.
Other names: c.374G>T, p.Arg125Leu (NM_001166280.2, NM_001166281.2); short protein forms R125L.
Identifiers: ClinVar variation 211541 (VCV000211541.14), dbSNP rs375737188, ClinGen allele CA276993.

ClinVar aggregate classification (germline): Conflicting classifications of pathogenicity. Review status: criteria provided, conflicting classifications (1 of 4 stars). 5 submissions from 5 submitters: Likely pathogenic (2); Uncertain significance (3). Last evaluated 2026-05-11.

Conditions:
Fetal akinesia deformation sequence 1 (FADS1). Also called: Fetal akinesia sequence; Pena-Shokeir syndrome type I. Identifiers: Orphanet 994, MedGen C1276035, MONDO:0100101, OMIM 208150, HP:0001989.
Congenital myasthenic syndrome 9. Also called: Myasthenic syndrome, congenital, 9, associated with acetylcholine receptor deficiency. Identifiers: Orphanet 590, MedGen C4225368, MONDO:0014587, OMIM 616325.
Inborn genetic diseases. Identifiers: MedGen C0950123, MeSH D030342.
Congenital myasthenic syndrome 4C (CMS4C). Also called: Myasthenic syndrome, congenital, associated with acetylcholine receptor deficiency. Identifiers: Orphanet 590, MedGen C1837091, MONDO:0012157, OMIM 608931.

Allele frequency attached by ClinVar (database versions not stated): ESP Exome Variant Server 0.00009; TOPMed 0.00012.
gnomAD v4.1: 58 of 1,514,038 alleles (0.0038%); highest among the groups gnomAD compares: Non-Finnish European, 0.0035%; no homozygotes.

Submissions (5):

Women's Health and Genetics/Laboratory Corporation of America, LabCorp
Classification: Uncertain significance. Last evaluated: 2026-05-11. Review status: criteria provided, single submitter. Criteria: LabCorp Variant Classification Summary - May 2015. Collection method: clinical testing. Allele origin: germline.
Comment: Variant summary: MUSK c.374G>T (p.Arg125Leu) results in a non-conservative amino acid change in the encoded protein sequence. Algorithms developed to predict the effect of missense changes on protein structure and function are either unavailable or do not agree on the potential impact of this missense change. The variant allele was found at a frequency of 4.9e-05 in 163840 control chromosomes. The available data on variant occurrences in the general population are insufficient to allow any conclusion about variant significance. To our knowledge, no occurrence of c.374G>T in individuals affected with MUSK-related conditions and no experimental evidence demonstrating its impact on protein function have been reported. ClinVar contains an entry for this variant (Variation ID: 211541). Based on the evidence outlined above, the variant was classified as uncertain significance.

GeneDx
Classification: Likely pathogenic. Last evaluated: 2024-05-21. Review status: criteria provided, single submitter. Criteria: GeneDx Variant Classification Process June 2021. Collection method: clinical testing. Allele origin: germline. Affected: yes.
Comment: In silico analysis supports that this missense variant has a deleterious effect on protein structure/function; Has not been previously published as pathogenic or benign to our knowledge; This variant is associated with the following publications: (PMID: 25537362)

Ambry Genetics
Classification: Uncertain significance for Inborn genetic diseases. Last evaluated: 2023-08-04. Review status: criteria provided, single submitter. Criteria: Ambry Variant Classification Scheme 2023. Collection method: clinical testing. Allele origin: germline.

Labcorp Genetics (formerly Invitae), Labcorp
Classification: Uncertain significance for Congenital myasthenic syndrome 9; Fetal akinesia deformation sequence 1. Last evaluated: 2022-10-04. Review status: criteria provided, single submitter. Criteria: Invitae Variant Classification Sherloc (09022015). Collection method: clinical testing. Allele origin: germline.
Comment: This sequence change replaces arginine, which is basic and polar, with leucine, which is neutral and non-polar, at codon 125 of the MUSK protein (p.Arg125Leu). The frequency data for this variant in the population databases is considered unreliable, as metrics indicate poor data quality at this position in the gnomAD database. This variant has not been reported in the literature in individuals affected with MUSK-related conditions. ClinVar contains an entry for this variant (Variation ID: 211541). Advanced modeling of protein sequence and biophysical properties (such as structural, functional, and spatial information, amino acid conservation, physicochemical variation, residue mobility, and thermodynamic stability) performed at Invitae indicates that this missense variant is not expected to disrupt MUSK protein function. In summary, the available evidence is currently insufficient to determine the role of this variant in disease. Therefore, it has been classified as a Variant of Uncertain Significance.

Genetic Services Laboratory, University of Chicago
Classification: Likely pathogenic for Myasthenic syndrome, congenital, associated with acetylcholine receptor deficiency. Last evaluated: 2015-02-26. Review status: criteria provided, single submitter. Criteria: ACMG Guidelines, 2015. Collection method: clinical testing. Allele origin: germline. Affected: yes.